The following is an entry in ClinVar:

ClinVar aggregate classification (germline): Uncertain significance. Review status: criteria provided, multiple submitters, no conflicts (2 of 4 stars). 4 submissions from 4 submitters: Uncertain significance (4). Last evaluated 2025-09-19.

Conditions:
Intellectual disability, autosomal dominant 16 (CSS4). Also called: COFFIN-SIRIS SYNDROME 4. Identifiers: Orphanet 1465, MedGen C3553249, MONDO:0013821, OMIM 614609.
Rhabdoid tumor predisposition syndrome 2 (RTPS2). Identifiers: Orphanet 231108, Orphanet 69077, MedGen C2750074, MONDO:0013224, OMIM 613325.
Hereditary cancer-predisposing syndrome. Also called: Neoplastic Syndromes, Hereditary; Tumor predisposition; Hereditary Cancer Syndrome; Hereditary neoplastic syndrome. Identifiers: Orphanet 140162, MedGen C0027672, MeSH D009386, MONDO:0015356.

Allele frequency attached by ClinVar (database versions not stated): gnomAD exomes below 0.00001.
gnomAD v4.1: 1 of 1,613,590 alleles (0.000062%); highest among the groups gnomAD compares: South Asian, 0.0011%; no homozygotes.

Submissions (4):

Labcorp Genetics (formerly Invitae), Labcorp
Classification: Uncertain significance for Rhabdoid tumor predisposition syndrome 2. Last evaluated: 2025-09-19. Review status: criteria provided, single submitter. Criteria: Invitae Variant Classification Sherloc (09022015). Collection method: clinical testing. Allele origin: germline.
Comment: This sequence change replaces valine, which is neutral and non-polar, with isoleucine, which is neutral and non-polar, at codon 698 of the SMARCA4 protein (p.Val698Ile). This variant is not present in population databases (gnomAD no frequency). This variant has not been reported in the literature in individuals affected with SMARCA4-related conditions. ClinVar contains an entry for this variant (Variation ID: 820701). Invitae Evidence Modeling of protein sequence and biophysical properties (such as structural, functional, and spatial information, amino acid conservation, physicochemical variation, residue mobility, and thermodynamic stability) indicates that this missense variant is not expected to disrupt SMARCA4 protein function with a negative predictive value of 95%. In summary, the available evidence is currently insufficient to determine the role of this variant in disease. Therefore, it has been classified as a Variant of Uncertain Significance.

Ambry Genetics
Classification: Uncertain significance for Hereditary cancer-predisposing syndrome. Last evaluated: 2022-12-21. Review status: criteria provided, single submitter. Criteria: Ambry Variant Classification Scheme 2023. Collection method: clinical testing. Allele origin: germline.
Comment: The p.V698I variant (also known as c.2092G>A), located in coding exon 13 of the SMARCA4 gene, results from a G to A substitution at nucleotide position 2092. The valine at codon 698 is replaced by isoleucine, an amino acid with highly similar properties. Missense and in-frame variants in SMARCA4 are known to cause neurodevelopmental disorders; however, such associations with rhabdoid tumor predisposition syndrome including small cell carcinoma of the ovary-hypercalcemic type (SCCOHT) are exceedingly rare (Kosho T et al. Am J Med Genet C Semin Med Genet. 2014 Sep;166C(3):262-75; Jelinic P et al. Nat Genet. 2014 May;46(5):424-6). This amino acid position is highly conserved in available vertebrate species. In addition, the in silico prediction for this alteration is inconclusive. Based on the supporting evidence, the association of this alteration with Coffin-Siris syndrome is unknown; however, the association of this alteration with rhabdoid tumor predisposition syndrome is unlikely.

Genome-Nilou Lab
Classification: Uncertain significance for Intellectual disability, autosomal dominant 16. Last evaluated: 2021-07-15. Review status: criteria provided, single submitter. Criteria: ACMG Guidelines, 2015. Collection method: clinical testing. Allele origin: germline. Affected: no.

Centre for Mendelian Genomics, University Medical Centre Ljubljana
Classification: Uncertain significance for Rhabdoid tumor predisposition syndrome 2. Last evaluated: 2020-02-24. Review status: criteria provided, single submitter. Criteria: ACMG Guidelines, 2015. Collection method: clinical testing. Allele origin: unknown. Affected: yes.
Comment: This variant was classified as: Uncertain significance. The available evidence on this variant's pathogenicity is insufficient or conflicting. The following ACMG criteria were applied in classifying this variant: PM2.

NM_003072.5(SMARCA4):c.2092G>A (p.Val698Ile)

Gene: SMARCA4 (SWI/SNF related BAF chromatin remodeling complex subunit ATPase 4; plus strand). Cytogenetic location: 19p13.2.
Variant type: single nucleotide variant.
Coding change: c.2092G>A on transcript NM_003072.5 (MANE Select); coding-DNA position 2092, G replaced by A.
Protein change: p.Val698Ile; replaces valine 698 with isoleucine.
Molecular consequence: missense variant. On other transcripts: non-coding transcript variant (1).
Genome position (GRCh38, 1-based): chr19:11,007,992, G>A. VCF-style: chr19-11007992-G-A. GRCh37 (hg19) VCF-style: chr19-11118668-G-A.
Other names: c.2092G>A, p.Val698Ile (NM_001128844.3, NM_001128845.2, NM_001128846.2 and 4 more transcripts); short protein forms V698I.
Identifiers: ClinVar variation 820701 (VCV000820701.17), dbSNP rs1600168349, ClinGen allele CA404052562.